The following is an entry in ClinVar:

ClinVar aggregate classification (germline): Conflicting classifications of pathogenicity. Review status: criteria provided, conflicting classifications (1 of 4 stars). 5 submissions from 5 submitters: Uncertain significance (4); Likely benign (1). Last evaluated 2025-07-29.

Conditions:
Hypokalemic periodic paralysis, type 1. Also called: Hypokalemic Periodic Paralysis Type 1 (AD); HypoPP. Identifiers: Orphanet 681, MedGen C3714580, MONDO:0042979, OMIM 170400.
Malignant hyperthermia, susceptibility to, 5 (MHS5). Also called: CACNA1S-Related Malignant Hyperthermia Susceptibility. Identifiers: Orphanet 423, MedGen C1866077, MONDO:0011163, OMIM 601887.
Inborn genetic diseases. Identifiers: MedGen C0950123, MeSH D030342.
Thyrotoxic periodic paralysis, susceptibility to, 1 (TTPP1). Identifiers: Orphanet 79102, MedGen C2749982, MONDO:0008570, OMIM 188580.

Allele frequency attached by ClinVar (database versions not stated): gnomAD 0.00004; TOPMed 0.00005; ESP Exome Variant Server 0.00016.
gnomAD v4.1: 77 of 1,558,726 alleles (0.0049%); highest among the groups gnomAD compares: East Asian, 0.012%; no homozygotes.

Submissions (5):

Labcorp Genetics (formerly Invitae), Labcorp
Classification: Likely benign for Hypokalemic periodic paralysis, type 1; Malignant hyperthermia, susceptibility to, 5. Last evaluated: 2025-07-29. Review status: criteria provided, single submitter. Criteria: Invitae Variant Classification Sherloc (09022015). Collection method: clinical testing. Allele origin: germline.

All of Us Research Program, National Institutes of Health
Classification: Uncertain significance for Malignant hyperthermia, susceptibility to, 5. Last evaluated: 2024-09-23. Review status: criteria provided, single submitter. Criteria: ACMG Guidelines, 2015. Collection method: clinical testing. Allele origin: germline. Inheritance: Autosomal dominant inheritance. Observed: 8 variant alleles, 8 heterozygotes.
Comment: This missense variant replaces arginine with cysteine at codon 794 of the CACNA1S protein. Computational prediction suggests that this variant may have deleterious impact on protein structure and function (internally defined REVEL score threshold >= 0.7, PMID: 27666373). To our knowledge, functional studies have not been reported for this variant. This variant has not been reported in individuals affected with malignant hyperthermia in the literature. This variant has been identified in 9/161928 chromosomes in the general population by the Genome Aggregation Database (gnomAD). The available evidence is insufficient to determine the role of this variant in disease conclusively. Therefore, this variant is classified as a Variant of Uncertain Significance.

This study involves interpretation of variants in research participants for the purpose of population health screening. Participant phenotype was not available at the time of variant classification. Additional details can be found in publication PMID: 35346344, PMCID: PMC8962531

Color Diagnostics, LLC DBA Color Health
Classification: Uncertain significance for Malignant hyperthermia, susceptibility to, 5. Last evaluated: 2024-03-06. Review status: criteria provided, single submitter. Criteria: ACMG Guidelines, 2015. Collection method: clinical testing. Allele origin: germline.
Comment: This missense variant replaces arginine with cysteine at codon 794 of the CACNA1S protein. Computational prediction suggests that this variant may have deleterious impact on protein structure and function. To our knowledge, functional studies have not been reported for this variant. This variant has not been reported in individuals affected with malignant hyperthermia in the literature. This variant has been identified in 9/161928 chromosomes in the general population by the Genome Aggregation Database (gnomAD). The available evidence is insufficient to determine the role of this variant in disease conclusively. Therefore, this variant is classified as a Variant of Uncertain Significance.

Ambry Genetics
Classification: Uncertain significance for Inborn genetic diseases. Last evaluated: 2024-01-29. Review status: criteria provided, single submitter. Criteria: Ambry Variant Classification Scheme 2023. Collection method: clinical testing. Allele origin: germline.

Fulgent Genetics
Classification: Uncertain significance for Hypokalemic periodic paralysis, type 1; Thyrotoxic periodic paralysis, susceptibility to, 1; Malignant hyperthermia, susceptibility to, 5. Last evaluated: 2022-01-26. Review status: criteria provided, single submitter. Criteria: ACMG Guidelines, 2015. Collection method: clinical testing. Allele origin: unknown.

NM_000069.3(CACNA1S):c.2380C>T (p.Arg794Cys)

Gene: CACNA1S (calcium voltage-gated channel subunit alpha1 S; minus strand). Cytogenetic location: 1q32.1.
Variant type: single nucleotide variant.
Coding change: c.2380C>T on transcript NM_000069.3 (MANE Select); coding-DNA position 2380, C replaced by T.
Protein change: p.Arg794Cys; replaces arginine 794 with cysteine.
Molecular consequence: missense variant.
Genome position (GRCh38, 1-based): chr1:201,069,582, G>A on the plus strand (C>T on the coding strand, the complement: CACNA1S is on the minus strand). VCF-style: chr1-201069582-G-A. GRCh37 (hg19) VCF-style: chr1-201038710-G-A.
Other names: short protein forms R794C.
Identifiers: ClinVar variation 663093 (VCV000663093.16), dbSNP rs373328930, ClinGen allele CA078970.
Genomic context (GRCh38, chr1:201,069,582, plus strand): 5'-CGCTGCTGAGCAGGATGAAGAGCAGGATGAAGTTGGTAAACCAGGTGGCATTGACGATGC[G>A]GTGACACAGGACACGGATCCTGGTGGGGCGAGGTAGGGAGGGCAGGGGAGCTGTGAGCTG-3'
Protein context (NP_000060.2, residues 784-804): PTNKIRVLCH[Arg794Cys]IVNATWFTNF